The following is an entry in ClinVar:

NM_000517.6(HBA2):c.1del (p.Met1fs)

Genes: HBA2 (hemoglobin subunit alpha 2; plus strand), LOC106804612 (hemoglobin subunit alpha 2 recombination region; plus strand). Cytogenetic location: 16p13.3.
Variant type: Deletion.
Coding change: c.1del on transcript NM_000517.6 (MANE Select); coding-DNA position 1, one base deleted (A; older notation c.1delA).
Protein change: p.Met1fs; shifts the reading frame from methionine 1.
Molecular consequence: frameshift variant, initiator codon variant.
Genome position (GRCh38, 1-based): chr16:172,913, A deleted. VCF-style (leftmost placement, unchanged base first): chr16-172912-CA-C. GRCh37 (hg19) VCF-style: chr16-222911-CA-C.
Other names: c.1delA (NM_000517.5); short protein forms M1fs.
Identifiers: ClinVar variation 15694 (VCV000015694.14), dbSNP rs587776828, ClinGen allele CA125665.

ClinVar aggregate classification (germline): Pathogenic. Review status: criteria provided, multiple submitters, no conflicts (2 of 4 stars). 3 submissions from 3 submitters: Pathogenic (2). 1 of the submissions does not count toward it. Last evaluated 2025-04-18.

Conditions:
Alpha-thalassemia, Hmong type. Identifiers: MedGen C4016158.
alpha Thalassemia. Also called: Alpha thalassemia spectrum. Identifiers: Orphanet 846, MedGen C0002312, MONDO:0011399, OMIM 604131.

Submissions (3):

Natera, Inc.
Classification: Pathogenic for Alpha thalassemia. Last evaluated: 2025-04-18. Review status: criteria provided, single submitter. Criteria: Natera Variant Classification Schema (03/2026). Collection method: clinical testing. Allele origin: germline.
Comment: The c.1delA variant in HBA2 is predicted to result in start loss due to disruption of the initiator methionine. This variant is expected to result in nonsense mediated decay, truncation, or a dysfunctional protein product. This variant is rare in the general population with a frequency below the threshold expected for the associated phenotype(s). This variant has been observed in one or more individuals affected with the associated recessive disease, as either homozygous or compound heterozygous with a second variant (PMID: 24081251). Given the available evidence, this variant is classified as Pathogenic.

ARUP Laboratories, Molecular Genetics and Genomics, ARUP Laboratories
Classification: Pathogenic. Last evaluated: 2024-02-06. Review status: criteria provided, single submitter. Criteria: ARUP Molecular Germline Variant Investigation Process 2024. Collection method: clinical testing. Allele origin: germline.
Comment: The HBA2 c.1del; p.Met1? variant (rs33950507) is reported in the literature in multiple individuals affected with Hb H disease in trans to the --SEA deletion (Eng 2006, He 2017, Viprakasit 2014). This variant is absent from general population databases (Exome Variant Server, Genome Aggregation Database), indicating it is not a common polymorphism. This variant deletes a single nucleotide and abolishes the canonical initiation codon of HBA2, so it is predicted to result in an absent protein. Based on available information, this variant is considered to be pathogenic. References: Eng B et al. Three new alpha-thalassemia point mutations ascertained through newborn screening. Hemoglobin. 2006;30(2):149-53. He J et al. Next-generation sequencing improves thalassemia carrier screening among premarital adults in a high prevalence population: the Dai nationality, China. Genet Med. 2017 Sep;19(9):1022-1031. Viprakasit V et al. Clinical presentation and molecular identification of four uncommon alpha globin variants in Thailand. Initiation codon mutation of a2-globin Gene (HBA2:c.1delA), donor splice site mutation of a1-globin gene (IVSI-1, HBA1:c.95 + 1G>A), hemoglobin Queens Park/Chao Pra Ya (HBA1:c.98T>A) and hemoglobin Westmead (HBA2:c.369C>G). Acta Haematol. 2014;131(2):88-94.

OMIM
Classification: Pathogenic for ALPHA-THALASSEMIA, HMONG TYPE. Last evaluated: 2006-01-01. Review status: no assertion criteria provided. Collection method: literature only. Allele origin: germline. Not counted in ClinVar's aggregate classification.

Literature cited by the submitters: PubMed 24081251 (cited by Natera, Inc.); PubMed 16798638 (cited by OMIM).